The following is an entry in ClinVar:

ClinVar aggregate classification (germline): Uncertain significance (1 of 4 stars; one submission).

Conditions:
Hereditary nonpolyposis colorectal neoplasms. Identifiers: MedGen C0009405, MeSH D003123.

Submission:

Labcorp Genetics (formerly Invitae), Labcorp
Classification: Uncertain significance for Hereditary nonpolyposis colorectal neoplasms. Last evaluated: 2025-09-03. Review status: criteria provided, single submitter. Criteria: Invitae Variant Classification Sherloc (09022015). Collection method: clinical testing. Allele origin: germline.
Comment: This sequence change replaces glycine, which is neutral and non-polar, with arginine, which is basic and polar, at codon 209 of the PMS2 protein (p.Gly209Arg). This variant is not present in population databases (gnomAD no frequency). This variant has not been reported in the literature in individuals affected with PMS2-related conditions. Invitae Evidence Modeling incorporating data from in vitro experimental studies (internal data) indicates that this missense variant is not expected to disrupt PMS2 function with a negative predictive value of 95%. In summary, the available evidence is currently insufficient to determine the role of this variant in disease. Therefore, it has been classified as a Variant of Uncertain Significance.

NM_000535.7(PMS2):c.625G>C (p.Gly209Arg)

Gene: PMS2 (PMS1 homolog 2, mismatch repair system component; minus strand). Cytogenetic location: 7p22.1.
Variant type: single nucleotide variant.
Coding change: c.625G>C on transcript NM_000535.7 (MANE Select); coding-DNA position 625, G replaced by C.
Protein change: p.Gly209Arg; replaces glycine 209 with arginine.
Molecular consequence: missense variant. On other transcripts: 5 prime UTR variant (2), non-coding transcript variant (1), intron variant (9).
Genome position (GRCh38, 1-based): chr7:5,999,188, C>G on the plus strand (G>C on the coding strand, the complement: PMS2 is on the minus strand). VCF-style: chr7-5999188-C-G. GRCh37 (hg19) VCF-style: chr7-6038819-C-G.
Other names: c.220G>C, p.Gly74Arg (NM_001322003.2, NM_001322004.2, NM_001322005.2 and 19 more transcripts); c.625G>C, p.Gly209Arg (NM_001322006.2, NM_001322014.2, NM_001406870.1 and 4 more transcripts); c.307G>C, p.Gly103Arg (NM_001322007.2, NM_001322008.2, NM_001406876.1 and 4 more transcripts); c.-309G>C (NM_001322011.2, NM_001322012.2); c.316G>C, p.Gly106Arg (NM_001322015.2, NM_001406875.1, NM_001406877.1 and 6 more transcripts); c.811G>C, p.Gly271Arg (NM_001406866.1); c.649G>C, p.Gly217Arg (NM_001406868.1); c.289G>C, p.Gly97Arg (NM_001406885.1); and 6 more; short protein forms G271R, G74R, G209R, G217R, G106R, G103R, G97R.
Identifiers: ClinVar variation 4706765 (VCV004706765.1).
Genomic context (GRCh38, chr7:5,999,188, plus strand): 5'-AGCCGATATTTTCCTTTATGCTGGGGCTTCCACCTGTGCATACCACAGGCTGTCGTTTTC[C>G]TTGTCCAAGCTGATTGGTGCAACTTACACGGATGCCTGCTGAAATGATACAGTATGCATG-3'
Protein context (NP_000526.2, residues 199-219): RVSCTNQLGQ[Gly209Arg]KRQPVVCTGG